The following is an entry in ClinVar:

ClinVar aggregate classification (germline): Uncertain significance (1 of 4 stars; one submission).

Conditions:
Trichorhinophalangeal dysplasia type I (TRPS1). Also called: TRICHORHINOPHALANGEAL SYNDROME, TYPE I; TRPS I. Identifiers: Orphanet 77258, MedGen C0432233, MONDO:0008596, OMIM 190350.
Trichorhinophalangeal syndrome, type III (TRPS3). Also called: SUGIO-KAJII SYNDROME. Identifiers: Orphanet 77258, MedGen C1860823, OMIM 190351, MONDO:0008597.

Submission:

Labcorp Genetics (formerly Invitae), Labcorp
Classification: Uncertain significance for Trichorhinophalangeal syndrome, type III; Trichorhinophalangeal dysplasia type I. Last evaluated: 2019-09-15. Review status: criteria provided, single submitter. Criteria: Invitae Variant Classification Sherloc (09022015). Collection method: clinical testing. Allele origin: germline.
Comment: In summary, the available evidence is currently insufficient to determine the role of this variant in disease. Therefore, it has been classified as a Variant of Uncertain Significance. Algorithms developed to predict the effect of missense changes on protein structure and function are either unavailable or do not agree on the potential impact of this missense change (SIFT: "Deleterious"; PolyPhen-2: "Probably Damaging"; Align-GVGD: "Class C15"). This variant has not been reported in the literature in individuals with TRPS1-related conditions. This variant is not present in population databases (ExAC no frequency). This sequence change replaces leucine with phenylalanine at codon 935 of the TRPS1 protein (p.Leu935Phe). The leucine residue is highly conserved and there is a small physicochemical difference between leucine and phenylalanine.

NM_014112.5(TRPS1):c.2803C>T (p.Leu935Phe)

Gene: TRPS1 (transcriptional repressor GATA binding 1; minus strand). Cytogenetic location: 8q23.3.
Variant type: single nucleotide variant.
Coding change: c.2803C>T on transcript NM_014112.5 (MANE Select); coding-DNA position 2803, C replaced by T.
Protein change: p.Leu935Phe; replaces leucine 935 with phenylalanine.
Molecular consequence: missense variant.
Genome position (GRCh38, 1-based): chr8:115,418,350, G>A on the plus strand (C>T on the coding strand, the complement: TRPS1 is on the minus strand). VCF-style: chr8-115418350-G-A. GRCh37 (hg19) VCF-style: chr8-116430578-G-A.
Other names: c.2776C>T, p.Leu926Phe (NM_001282902.3); c.2782C>T, p.Leu928Phe (NM_001282903.3); c.2764C>T, p.Leu922Phe (NM_001330599.2); short protein forms L926F, L928F, L935F, L922F.
Identifiers: ClinVar variation 940096 (VCV000940096.9), dbSNP rs1812970992, ClinGen allele CA372064209.
Genomic context (GRCh38, chr8:115,418,350, plus strand): 5'-TTTATAAAGCTTTTCCTGAAAGAGTGGAACAAGTTCTTACCGAGTGAAGCTTCTGGTAGA[G>A]GCCACACGCGTTGCATACATATCCGCCATTTGCATTCTTTCGCCAGAGAGAGGTCTTTGT-3'
Protein context (NP_054831.2, residues 925-945): NGGYVCNACG[Leu935Phe]YQKLHSTPRP